The following is an entry in ClinVar:

ClinVar aggregate classification (germline): Pathogenic (1 of 4 stars; one submission).

Conditions:
Familial adenomatous polyposis 1 (FAP1). Also called: POLYPOSIS, ADENOMATOUS INTESTINAL; FAMILIAL ADENOMATOUS POLYPOSIS 1, ATTENUATED. Identifiers: MedGen C2713442, MONDO:0021056, OMIM 175100. Disease mechanism: loss of function.

Submission:

Myriad Genetics, Inc.
Classification: Pathogenic for Familial adenomatous polyposis 1. Last evaluated: 2023-05-15. Review status: criteria provided, single submitter. Criteria: Myriad Autosomal Dominant, Autosomal Recessive and X-Linked Classification Criteria (2023). Collection method: clinical testing. Allele origin: unknown.
Comment: This variant is considered pathogenic. This variant creates a frameshift predicted to result in premature protein truncation.

NM_000038.6(APC):c.5781dup (p.Gln1928fs)

Gene: APC (APC regulator of Wnt signaling pathway; plus strand). Cytogenetic location: 5q22.2.
Variant type: Duplication.
Coding change: c.5781dup on transcript NM_000038.6 (MANE Select); coding-DNA position 5781, one base duplicated (T; older notation c.5781dupT).
Protein change: p.Gln1928fs; shifts the reading frame from glutamine 1928.
Molecular consequence: frameshift variant. On other transcripts: non-coding transcript variant (2).
Genome position (GRCh38, 1-based): chr5:112,841,375, T duplicated; the last of 2 consecutive T bases (chr5:112,841,374-112,841,375); duplicating either gives the same sequence. VCF-style (leftmost placement, unchanged base first): chr5-112841373-C-CT. GRCh37 (hg19) VCF-style: chr5-112177070-C-CT.
Other names: c.5781dup, p.Gln1928fs (NM_001127510.3, NM_001354895.2, NM_001407450.1); c.5727dup, p.Gln1910fs (NM_001127511.3); c.5835dup, p.Gln1946fs (NM_001354896.2, NM_001407447.1, NM_001407448.1 and 1 more transcripts); c.5811dup, p.Gln1938fs (NM_001354897.2); c.5706dup, p.Gln1903fs (NM_001354898.2); c.5697dup, p.Gln1900fs (NM_001354899.2); c.5658dup, p.Gln1887fs (NM_001354900.2); c.5604dup, p.Gln1869fs (NM_001354901.2, NM_001407453.1); and 11 more; short protein forms Q1544fs, Q1645fs, Q1768fs, Q1799fs, Q1802fs, Q1827fs, Q1837fs, Q1845fs.
Identifiers: ClinVar variation 2583485 (VCV002583485.2), dbSNP rs1766043404, ClinGen allele CA2582341473.